The following is an entry in ClinVar:

ClinVar aggregate classification (germline): Uncertain significance. Review status: criteria provided, multiple submitters, no conflicts (2 of 4 stars). 2 submissions from 2 submitters: Uncertain significance (2). Last evaluated 2025-06-08.

Conditions:
Myopathy with tubular aggregates (TAM). Also called: Tubular Aggregate Myopathy. Identifiers: Orphanet 2593, MedGen C0410207, MONDO:0008051.
Stormorken syndrome (STRMK). Also called: THROMBOCYTOPATHY, ASPLENIA, AND MIOSIS. Identifiers: Orphanet 3204, MedGen C1861451, MONDO:0008497, OMIM 185070.
Combined immunodeficiency due to STIM1 deficiency. Also called: STIM1 DEFICIENCY; IMMUNODEFICIENCY 10. Identifiers: Orphanet 169090, Orphanet 317430, MedGen C2748557, MONDO:0013008, OMIM 612783.

Allele frequency attached by ClinVar (database versions not stated): gnomAD exomes 0.00001 and 0.00002; TOPMed 0.00001; ExAC 0.00002.
gnomAD v4.1: 6 of 1,614,186 alleles (0.00037%); highest among the groups gnomAD compares: Admixed American, 0.0033%; no homozygotes.

Submissions (2):

Labcorp Genetics (formerly Invitae), Labcorp
Classification: Uncertain significance for Myopathy with tubular aggregates; Combined immunodeficiency due to STIM1 deficiency; Stormorken syndrome. Last evaluated: 2025-06-08. Review status: criteria provided, single submitter. Criteria: Invitae Variant Classification Sherloc (09022015). Collection method: clinical testing. Allele origin: germline.
Comment: This sequence change replaces serine, which is neutral and polar, with asparagine, which is neutral and polar, at codon 528 of the STIM1 protein (p.Ser528Asn). This variant is present in population databases (rs200078549, gnomAD 0.006%). This variant has not been reported in the literature in individuals affected with STIM1-related conditions. ClinVar contains an entry for this variant (Variation ID: 1002215). Invitae Evidence Modeling of protein sequence and biophysical properties (such as structural, functional, and spatial information, amino acid conservation, physicochemical variation, residue mobility, and thermodynamic stability) has been performed for this missense variant. However, the output from this modeling did not meet the statistical confidence thresholds required to predict the impact of this variant on STIM1 protein function. In summary, the available evidence is currently insufficient to determine the role of this variant in disease. Therefore, it has been classified as a Variant of Uncertain Significance.

Blueprint Genetics
Classification: Uncertain significance. Last evaluated: 2022-10-06. Review status: criteria provided, single submitter. Criteria: ACMG Guidelines, 2015. Collection method: clinical testing. Allele origin: germline.

NM_001382567.1(STIM1):c.1676G>A (p.Ser559Asn)

Gene: STIM1 (stromal interaction molecule 1; plus strand). Cytogenetic location: 11p15.4.
Variant type: single nucleotide variant.
Coding change: c.1676G>A on transcript NM_001382567.1 (MANE Select); coding-DNA position 1676, G replaced by A.
Protein change: p.Ser559Asn; replaces serine 559 with asparagine.
Molecular consequence: missense variant. On other transcripts: synonymous variant (4), non-coding transcript variant (3).
Genome position (GRCh38, 1-based): chr11:4,091,323, G>A. VCF-style: chr11-4091323-G-A. GRCh37 (hg19) VCF-style: chr11-4112553-G-A.
Other names: c.1901G>A, p.Ser634Asn (NM_001277961.3); c.1620G>A, p.Glu540= (NM_001277962.2); c.1679G>A, p.Ser560Asn (NM_001382566.1); c.1355G>A, p.Ser452Asn (NM_001382570.1); c.1103G>A, p.Ser368Asn (NM_001382571.1); c.1361G>A, p.Ser454Asn (NM_001382575.1, NM_001382576.1, NM_001382577.1); c.1398G>A, p.Glu466= (NM_001382578.1, NM_001382579.1); c.1131G>A, p.Glu377= (NM_001382580.1); and 4 more; short protein forms S365N, S368N, S452N, S454N, S483N, S528N, S535N, S559N.
Identifiers: ClinVar variation 1002215 (VCV001002215.10), dbSNP rs200078549, ClinGen allele CA5830588.